The following is an entry in ClinVar:

ClinVar aggregate classification (germline): Pathogenic (1 of 4 stars; one submission).

Conditions:
Hereditary cancer-predisposing syndrome. Also called: Neoplastic Syndromes, Hereditary; Tumor predisposition; Hereditary Cancer Syndrome; Hereditary neoplastic syndrome. Identifiers: Orphanet 140162, MedGen C0027672, MeSH D009386, MONDO:0015356.

Submission:

Ambry Genetics
Classification: Pathogenic for Hereditary cancer-predisposing syndrome. Last evaluated: 2020-05-22. Review status: criteria provided, single submitter. Criteria: Ambry Variant Classification Scheme 2023. Collection method: clinical testing. Allele origin: germline.
Comment: The c.805_806dupAA pathogenic mutation, located in coding exon 6 of the PTCH1 gene, results from a duplication of AA at nucleotide position 805, causing a translational frameshift with a predicted alternate stop codon (p.K270Rfs*3). This alteration is expected to result in loss of function by premature protein truncation or nonsense-mediated mRNA decay. As such, this alteration is interpreted as a disease-causing mutation.

NM_000264.5(PTCH1):c.805_806dup (p.Lys270fs)

Gene: PTCH1 (patched 1; minus strand). Cytogenetic location: 9q22.32.
Variant type: Duplication.
Coding change: c.805_806dup on transcript NM_000264.5 (MANE Select); coding-DNA positions 805 to 806, 2 bases duplicated (AA; older notation c.805_806dupAA).
Protein change: p.Lys270fs; shifts the reading frame from lysine 270.
Molecular consequence: frameshift variant. On other transcripts: non-coding transcript variant (1).
Genome position (GRCh38, 1-based): chr9:95,480,529-95,480,530, TT duplicated on the plus strand (AA on the coding strand, the reverse complement: PTCH1 is on the minus strand); duplicating any 2 consecutive bases within chr9:95,480,529-95,480,531 gives the same sequence; the c. name uses the placement nearest the transcript's 3' end. VCF-style (leftmost placement, unchanged base first): chr9-95480528-C-CTT. GRCh37 (hg19) VCF-style: chr9-98242810-C-CTT.
Other names: c.805_806dupAA (NM_000264.3); c.607_608dup, p.Lys204fs (NM_001083602.3); c.802_803dup, p.Lys269fs (NM_001083603.3); c.352_353dup, p.Lys119fs (NM_001083604.3, NM_001083605.3, NM_001083606.3 and 1 more transcripts); c.805_806dup, p.Lys270fs (NM_001354918.2); short protein forms K269fs, K119fs, K204fs, K270fs.
Identifiers: ClinVar variation 1761813 (VCV001761813.2), dbSNP rs2538233265, ClinGen allele CA2580080894.